The following is an entry in ClinVar:

ClinVar aggregate classification (germline): Uncertain significance. Review status: criteria provided, multiple submitters, no conflicts (2 of 4 stars). 3 submissions from 3 submitters: Uncertain significance (2). 1 of the submissions does not count toward it. Last evaluated 2025-11-25.

Conditions:
Familial thoracic aortic aneurysm and aortic dissection (TAAD). Also called: Thoracic aortic aneurysms and dissections. Identifiers: Orphanet 91387, MedGen C4707243, MONDO:0019625.
Classic homocystinuria. Also called: HOMOCYSTINURIA WITH OR WITHOUT RESPONSE TO PYRIDOXINE; Homocystinuria due to Cystathionine Beta-Synthase Deficiency; Homocystinuria due to CBS deficiency; Cystathionine beta-synthase deficiency; CBS deficiency. Identifiers: Orphanet 394, MedGen C0751202, MONDO:0009352, OMIM 236200.
HYPERHOMOCYSTEINEMIA, THROMBOTIC, CBS-RELATED. Identifiers: MedGen C3150344, OMIM 236200.

Submissions (3):

Ambry Genetics
Classification: Uncertain significance for Familial thoracic aortic aneurysm and aortic dissection. Last evaluated: 2025-11-25. Review status: criteria provided, single submitter. Criteria: Ambry Variant Classification Scheme 2023. Collection method: clinical testing. Allele origin: germline.
Comment: The c.1467+4C>T intronic variant results from a C to T substitution 4 nucleotides after coding exon 13 in the CBS gene. This nucleotide position is well conserved in available vertebrate species. In silico splice site analysis predicts that this alteration will not have any significant effect on splicing. Based on the available evidence, the clinical significance of this variant remains unclear.

Labcorp Genetics (formerly Invitae), Labcorp
Classification: Uncertain significance for HYPERHOMOCYSTEINEMIA, THROMBOTIC, CBS-RELATED. Last evaluated: 2022-04-13. Review status: criteria provided, single submitter. Criteria: Invitae Variant Classification Sherloc (09022015). Collection method: clinical testing. Allele origin: germline.
Comment: This sequence change falls in intron 15 of the CBS gene. It does not directly change the encoded amino acid sequence of the CBS protein. It affects a nucleotide within the consensus splice site. This variant is not present in population databases (gnomAD no frequency). This variant has not been reported in the literature in individuals affected with CBS-related conditions. ClinVar contains an entry for this variant (Variation ID: 945821). Variants that disrupt the consensus splice site are a relatively common cause of aberrant splicing (PMID: 17576681, 9536098). Algorithms developed to predict the effect of sequence changes on RNA splicing suggest that this variant is not likely to affect RNA splicing. In summary, the available evidence is currently insufficient to determine the role of this variant in disease. Therefore, it has been classified as a Variant of Uncertain Significance.

Natera, Inc.
Classification: Uncertain significance for Homocystinuria due to cystathionine beta-synthase deficiency. Last evaluated: 2021-01-24. Review status: no assertion criteria provided. Collection method: clinical testing. Allele origin: germline. Not counted in ClinVar's aggregate classification.

Literature cited by the submitters: PubMed 17576681 (cited by Labcorp Genetics (formerly Invitae), Labcorp); PubMed 9536098 (cited by Labcorp Genetics (formerly Invitae), Labcorp).

NM_000071.3(CBS):c.1467+4C>T

Gene: CBS (cystathionine beta-synthase; minus strand). Cytogenetic location: 21q22.3.
Variant type: single nucleotide variant.
Coding change: c.1467+4C>T on transcript NM_000071.3 (MANE Select); 4 bases into the intron after coding-DNA position 1467, C replaced by T.
Molecular consequence: intron variant.
Genome position (GRCh38, 1-based): chr21:43,058,141, G>A on the plus strand (C>T on the coding strand, the complement: CBS is on the minus strand). VCF-style: chr21-43058141-G-A. GRCh37 (hg19) VCF-style: chr21-44478251-G-A.
Other names: c.1467+4C>T (NM_001320298.2, NM_001178009.3, NM_001178008.3); c.1152+4C>T (NM_001321072.1).
Identifiers: ClinVar variation 945821 (VCV000945821.12), dbSNP rs1981503515, ClinGen allele CA1139666886.
Genomic context (GRCh38, chr21:43,058,141, plus strand): 5'-ACCTGTTTGAGCTGCCTGTAGGTGACTGCGCATCTGTTTGAGCTGCCTGTAGGTGACTGG[G>A]TACCTGTTTGAACTGCTTGTAGATGACTTTGCCAACTTGGTCTGACGGCTGCACCTTCCC-3'